The following is an entry in ClinVar:

NM_006892.4(DNMT3B):c.1591C>T (p.Arg531Cys)

Genes: DNMT3B (DNA methyltransferase 3 beta; plus strand), LOC126863014 (CDK7 strongly-dependent group 2 enhancer GRCh37_chr20:31385992-31387191; plus strand). Cytogenetic location: 20q11.21.
Variant type: single nucleotide variant.
Coding change: c.1591C>T on transcript NM_006892.4 (MANE Select); coding-DNA position 1591, C replaced by T.
Protein change: p.Arg531Cys; replaces arginine 531 with cysteine.
Molecular consequence: missense variant.
Genome position (GRCh38, 1-based): chr20:32,798,560, C>T. VCF-style: chr20-32798560-C-T. GRCh37 (hg19) VCF-style: chr20-31386366-C-T.
Other names: c.1405C>T, p.Arg469Cys (NM_001207055.2); c.1303C>T, p.Arg435Cys (NM_001207056.2); c.1531C>T, p.Arg511Cys (NM_175848.2, NM_175849.2); c.1567C>T, p.Arg523Cys (NM_175850.3); short protein forms R511C, R523C, R435C, R469C, R531C.
Identifiers: ClinVar variation 639128 (VCV000639128.13), dbSNP rs200511977, ClinGen allele CA9810640.

ClinVar aggregate classification (germline): Uncertain significance. Review status: criteria provided, multiple submitters, no conflicts (2 of 4 stars). 4 submissions from 4 submitters: Uncertain significance (4). Last evaluated 2025-06-07.

Conditions:
Centromeric instability of chromosomes 1,9 and 16 and immunodeficiency (ICF1). Also called: Immunodeficiency-centromeric instability-facial anomalies; IMMUNE DEFICIENCY, VARIABLE, WITH CENTROMERIC INSTABILITY OF CHROMOSOMES 1, 9, AND 16; IMMUNODEFICIENCY SYNDROME, VARIABLE; CENTROMERIC INSTABILITY, IMMUNODEFICIENCY SYNDROME. Identifiers: Orphanet 2268, MedGen C0398788, MONDO:0000133.
Inborn genetic diseases. Identifiers: MedGen C0950123, MeSH D030342.
Immunodeficiency-centromeric instability-facial anomalies syndrome 1 (ICF1). Identifiers: Orphanet 2268, MedGen C4551557, MONDO:0009454, OMIM 242860.

Allele frequency attached by ClinVar (database versions not stated): gnomAD exomes 0.00011 and 0.00012; ExAC 0.00012; TOPMed 0.00012; gnomAD 0.00013 and 0.00014; ESP Exome Variant Server 0.00015.

Submissions (4):

Ambry Genetics
Classification: Uncertain significance for Inborn genetic diseases. Last evaluated: 2025-06-07. Review status: criteria provided, single submitter. Criteria: Ambry Variant Classification Scheme 2023. Collection method: clinical testing. Allele origin: germline.

GeneDx
Classification: Uncertain significance. Last evaluated: 2025-02-18. Review status: criteria provided, single submitter. Criteria: GeneDx Variant Classification Process June 2021. Collection method: clinical testing. Allele origin: germline. Affected: yes.
Comment: In silico analysis supports that this missense variant has a deleterious effect on protein structure/function; Has not been previously reported in association with a DNMT3B-related disorder as pathogenic or benign to our knowledge; This variant is associated with the following publications: (PMID: 28719003)

Labcorp Genetics (formerly Invitae), Labcorp
Classification: Uncertain significance for Centromeric instability of chromosomes 1,9 and 16 and immunodeficiency. Last evaluated: 2022-06-16. Review status: criteria provided, single submitter. Criteria: Invitae Variant Classification Sherloc (09022015). Collection method: clinical testing. Allele origin: germline.
Comment: This sequence change replaces arginine, which is basic and polar, with cysteine, which is neutral and slightly polar, at codon 531 of the DNMT3B protein (p.Arg531Cys). This variant is present in population databases (rs200511977, gnomAD 0.02%). This variant has not been reported in the literature in individuals affected with DNMT3B-related conditions. ClinVar contains an entry for this variant (Variation ID: 639128). Algorithms developed to predict the effect of missense changes on protein structure and function (SIFT, PolyPhen-2, Align-GVGD) all suggest that this variant is likely to be disruptive. In summary, the available evidence is currently insufficient to determine the role of this variant in disease. Therefore, it has been classified as a Variant of Uncertain Significance.

Illumina Laboratory Services, Illumina
Classification: Uncertain significance for Immunodeficiency-centromeric instability-facial anomalies syndrome 1. Last evaluated: 2017-04-27. Review status: criteria provided, single submitter. Criteria: ICSL Variant Classification Criteria 13 December 2019. Collection method: clinical testing. Allele origin: germline.